The following is an entry in ClinVar:

NM_000238.4(KCNH2):c.1387T>C (p.Phe463Leu)

Gene: KCNH2 (potassium voltage-gated channel subfamily H member 2; minus strand). Cytogenetic location: 7q36.1.
Variant type: single nucleotide variant.
Coding change: c.1387T>C on transcript NM_000238.4 (MANE Select); coding-DNA position 1387, T replaced by C.
Protein change: p.Phe463Leu; replaces phenylalanine 463 with leucine.
Molecular consequence: missense variant.
Genome position (GRCh38, 1-based): chr7:150,952,595, A>G on the plus strand (T>C on the coding strand, the complement: KCNH2 is on the minus strand). VCF-style: chr7-150952595-A-G. GRCh37 (hg19) VCF-style: chr7-150649683-A-G.
Other names: c.1387T>C (LRG_288t1); c.367T>C, p.Phe123Leu (NM_001204798.2, NM_172057.3); c.1099T>C, p.Phe367Leu (NM_001406753.1, NM_001406756.1); c.1210T>C, p.Phe404Leu (NM_001406755.1); c.1087T>C, p.Phe363Leu (NM_001406757.1); c.1387T>C, p.Phe463Leu (NM_172056.3); short protein forms F123L, F463L, F367L, F363L, F404L.
Identifiers: ClinVar variation 67193 (VCV000067193.3), dbSNP rs199472904, ClinGen allele CA004552.

ClinVar aggregate classification (germline): not provided (0 of 4 stars; one submission).

Conditions:
Familial long QT syndrome (RWS). Also called: Congenital long QT syndrome; Romano-Ward syndrome; VENTRICULAR FIBRILLATION WITH PROLONGED QT INTERVAL. Identifiers: Orphanet 768, MedGen C1141890, MONDO:0019171.

Submission:

Cardiovascular Biomedical Research Unit, Royal Brompton & Harefield NHS Foundation Trust
No classification provided. Condition: Familial long QT syndrome. Review status: no classification provided. Collection method: literature only. Allele origin: germline.
Comment: This variant has been reported as associated with Long QT syndrome in the following publications (PMID:19065538;PMID:19100075;PMID:19215240). This is a literature report, and does not necessarily reflect the clinical interpretation of the Imperial College / Royal Brompton Cardiovascular Genetics laboratory.

Literature cited by the submitters: PubMed 19065538; PubMed 19100075; PubMed 19215240; PubMed 22581653.